The following is an entry in ClinVar:

ClinVar aggregate classification (germline): Pathogenic (1 of 4 stars; one submission).

Conditions:
Duchenne muscular dystrophy (DMD). Also called: MUSCULAR DYSTROPHY, PSEUDOHYPERTROPHIC PROGRESSIVE, DUCHENNE TYPE; Duchenne Muscular Dystrophy (DMD). Identifiers: Orphanet 98896, MedGen C0013264, MONDO:0010679, OMIM 310200.

Submission:

Labcorp Genetics (formerly Invitae), Labcorp
Classification: Pathogenic for Duchenne muscular dystrophy. Last evaluated: 2022-04-15. Review status: criteria provided, single submitter. Criteria: Invitae Variant Classification Sherloc (09022015). Collection method: clinical testing. Allele origin: germline.
Comment: This sequence change creates a premature translational stop signal (p.Ser3343Phefs*9) in the DMD gene. It is expected to result in an absent or disrupted protein product. Loss-of-function variants in DMD are known to be pathogenic (PMID: 16770791, 25007885). For these reasons, this variant has been classified as Pathogenic. This variant is also known as Ser3343fsX3350. This premature translational stop signal has been observed in individual(s) with Duchenne or Becker muscular dystrophy (PMID: 14695533, 27593222). This variant is not present in population databases (gnomAD no frequency).

Literature cited by the submitters: PubMed 16770791; PubMed 25007885; PubMed 14695533; PubMed 27593222.

NM_004006.3(DMD):c.10027dup (p.Ser3343fs)

Gene: DMD (dystrophin; minus strand). Cytogenetic location: Xp21.2.
Variant type: Duplication.
Coding change: c.10027dup on transcript NM_004006.3 (MANE Select); coding-DNA position 10027, one base duplicated (T; older notation c.10027dupT).
Protein change: p.Ser3343fs; shifts the reading frame from serine 3343.
Molecular consequence: frameshift variant.
Genome position (GRCh38, 1-based): chrX:31,180,429, A duplicated on the plus strand (T on the coding strand, the reverse complement: DMD is on the minus strand); the first of 7 consecutive A bases (chrX:31,180,429-31,180,435); duplicating any one gives the same sequence. VCF-style (leftmost placement, unchanged base first): chrX-31180428-G-GA. GRCh37 (hg19) VCF-style: chrX-31198545-G-GA.
Other names: c.10003dup, p.Ser3335fs (NM_000109.4); c.10015dup, p.Ser3339fs (NM_004009.3); c.9658dup, p.Ser3220fs (NM_004010.3); c.6004dup, p.Ser2002fs (NM_004011.4); c.5995dup, p.Ser1999fs (NM_004012.4); c.2647dup, p.Ser883fs (NM_004013.3, NM_004020.4, NM_004021.3 and 2 more transcripts); c.1840dup, p.Ser614fs (NM_004014.3); c.823dup, p.Ser275fs (NM_004015.3, NM_004016.3, NM_004017.3 and 2 more transcripts); short protein forms S2002fs, S275fs, S3343fs, S614fs, S883fs, S1999fs, S3220fs, S3335fs.
Identifiers: ClinVar variation 2138501 (VCV002138501.4), dbSNP rs2519974595, ClinGen allele CA2580100567.